The following is an entry in ClinVar:

NM_001256864.2(DNAJC6):c.804C>T (p.Tyr268=)

Gene: DNAJC6 (DnaJ heat shock protein family (Hsp40) member C6; plus strand). Cytogenetic location: 1p31.3.
Variant type: single nucleotide variant.
Coding change: c.804C>T on transcript NM_001256864.2 (MANE Select); coding-DNA position 804, C replaced by T.
Protein change: p.Tyr268=; no amino-acid change (tyrosine 268 retained).
Molecular consequence: synonymous variant.
Genome position (GRCh38, 1-based): chr1:65,385,715, C>T. VCF-style: chr1-65385715-C-T. GRCh37 (hg19) VCF-style: chr1-65851398-C-T.
Other names: c.594C>T, p.Tyr198= (NM_001256865.2); c.633C>T, p.Tyr211= (NM_014787.4).
Identifiers: ClinVar variation 3672004 (VCV003672004.4).

ClinVar aggregate classification (germline): Likely benign. Review status: criteria provided, multiple submitters, no conflicts (2 of 4 stars). 2 submissions from 2 submitters: Likely benign (2). Last evaluated 2026-04-01.

Conditions:
Juvenile onset Parkinson disease 19A. Also called: PARK19; DNAJC6 Parkinson Disease. Identifiers: Orphanet 391411, MedGen C3809811, MONDO:0014231, OMIM 615528.

gnomAD v4.1: 8 of 1,595,536 alleles (0.0005%); highest among the groups gnomAD compares: African/African-American, 0.008%; no homozygotes.

Submissions (2):

CeGaT Center for Human Genetics Tuebingen
Classification: Likely benign. Last evaluated: 2026-04-01. Review status: criteria provided, single submitter. Criteria: CeGaT Center For Human Genetics Tuebingen Variant Classification Criteria Version 2. Collection method: clinical testing. Allele origin: germline. Affected: yes. Observed: 1 variant allele.
Comment: DNAJC6: BP4, BP7

Labcorp Genetics (formerly Invitae), Labcorp
Classification: Likely benign for Juvenile onset Parkinson disease 19A. Last evaluated: 2024-12-22. Review status: criteria provided, single submitter. Criteria: Invitae Variant Classification Sherloc (09022015). Collection method: clinical testing. Allele origin: germline.